The following is an entry in ClinVar:

NM_001170629.2(CHD8):c.6719C>G (p.Thr2240Ser)

Gene: CHD8 (chromodomain helicase DNA binding protein 8; minus strand). Cytogenetic location: 14q11.2.
Variant type: single nucleotide variant.
Coding change: c.6719C>G on transcript NM_001170629.2 (MANE Select); coding-DNA position 6719, C replaced by G.
Protein change: p.Thr2240Ser; replaces threonine 2240 with serine.
Molecular consequence: missense variant.
Genome position (GRCh38, 1-based): chr14:21,392,559, G>C on the plus strand (C>G on the coding strand, the complement: CHD8 is on the minus strand). VCF-style: chr14-21392559-G-C. GRCh37 (hg19) VCF-style: chr14-21860718-G-C.
Other names: c.5882C>G, p.Thr1961Ser (NM_020920.4); short protein forms T1961S, T2240S.
Identifiers: ClinVar variation 1304932 (VCV001304932.2), dbSNP rs2139444575, ClinGen allele CA388878294.

ClinVar aggregate classification (germline): Uncertain significance (1 of 4 stars; one submission).

Submission:

GeneDx
Classification: Uncertain significance. Last evaluated: 2019-04-22. Review status: criteria provided, single submitter. Criteria: GeneDx Variant Classification Process June 2021. Collection method: clinical testing. Allele origin: germline. Affected: yes.
Comment: Not observed in large population cohorts (Lek et al., 2016); In silico analysis, which includes protein predictors and evolutionary conservation, supports that this variant does not alter protein structure/function; Has not been previously published as pathogenic or benign to our knowledge